The following is an entry in ClinVar:

NC_000007.14:g.(?_117504240)_(117531201_?)del

Gene: CFTR (CF transmembrane conductance regulator; plus strand). Cytogenetic location: 7q31.2.
Variant type: Deletion.
Identifiers: ClinVar variation 833089 (VCV000833089.7).

ClinVar aggregate classification (germline): Pathogenic (1 of 4 stars; one submission).

Conditions:
Cystic fibrosis (CF). Also called: MUCOVISCIDOSIS. Identifiers: Orphanet 586, MedGen C0010674, MONDO:0009061, OMIM 219700. Disease mechanism: loss of function.

Submission:

Labcorp Genetics (formerly Invitae), Labcorp
Classification: Pathogenic for Cystic fibrosis. Last evaluated: 2023-02-01. Review status: criteria provided, single submitter. Criteria: Invitae Variant Classification Sherloc (09022015). Collection method: clinical testing. Allele origin: germline.
Comment: For these reasons, this variant has been classified as Pathogenic. A similar copy number variant has been observed in individual(s) with clinical features of cystic fibrosis (PMID: 16493442). This variant is a gross deletion of the genomic region encompassing exon(s) 2-4 of the CFTR gene. This deletion is out-of-frame, and is expected to create a premature termination codon and result in an absent or disrupted protein product. Loss-of-function variants in CFTR are known to be pathogenic (PMID: 1695717, 7691345, 9725922).

Literature cited by the submitters: PubMed 16493442; PubMed 1695717; PubMed 7691345; PubMed 9725922.